The following is an entry in ClinVar:

NM_025179.4(PLXNA2):c.2969G>A (p.Gly990Asp)

Gene: PLXNA2 (plexin A2; minus strand). Cytogenetic location: 1q32.2.
Variant type: single nucleotide variant.
Coding change: c.2969G>A on transcript NM_025179.4 (MANE Select); coding-DNA position 2969, G replaced by A.
Protein change: p.Gly990Asp; replaces glycine 990 with aspartic acid.
Molecular consequence: missense variant.
Genome position (GRCh38, 1-based): chr1:208,052,351, C>T on the plus strand (G>A on the coding strand, the complement: PLXNA2 is on the minus strand). VCF-style: chr1-208052351-C-T. GRCh37 (hg19) VCF-style: chr1-208225696-C-T.
Other names: short protein forms G990D.
Identifiers: ClinVar variation 3349389 (VCV003349389.1).
Genomic context (GRCh38, chr1:208,052,351, plus strand): 5'-GTGCAGTCTTCTGGTGGCCCTTCAAGTTTATCTCACCCGTAGAACTCGCAGGTCTGGTTG[C>T]CCAGGTAGACTGCCACGCTGCTCCCAGCCCCAAGGTAATGGCCGGTAATGGTCACCATAG-3'
Protein context (NP_079455.3, residues 980-1000): GAGSSVAVYL[Gly990Asp]NQTCEFYGRS

ClinVar aggregate classification (germline): Uncertain significance (0 of 4 stars; one submission).

Conditions:
PLXNA2-related disorder. Also called: PLXNA2-related condition.

gnomAD v4.1: 1 of 1,613,284 alleles (0.000062%); highest among the groups gnomAD compares: South Asian, 0.0011%; no homozygotes.

Submission:

PreventionGenetics, part of Exact Sciences
Classification: Uncertain significance for PLXNA2-related condition. Last evaluated: 2024-02-07. Review status: no assertion criteria provided. Collection method: clinical testing. Allele origin: germline.
Comment: The PLXNA2 c.2969G>A variant is predicted to result in the amino acid substitution p.Gly990Asp. To our knowledge, this variant has not been reported in the literature or in a large population database, indicating this variant is rare. At this time, the clinical significance of this variant is uncertain due to the absence of conclusive functional and genetic evidence.